The following is an entry in ClinVar:

NM_000195.5(HPS1):c.604G>T (p.Gly202Ter)

Gene: HPS1 (HPS1 biogenesis of lysosomal organelles complex 3 subunit 1; minus strand). Cytogenetic location: 10q24.2.
Variant type: single nucleotide variant.
Coding change: c.604G>T on transcript NM_000195.5 (MANE Select); coding-DNA position 604, G replaced by T.
Protein change: p.Gly202Ter; replaces glycine 202 with a stop codon.
Molecular consequence: nonsense. On other transcripts: 5 prime UTR variant (3), intron variant (5).
Genome position (GRCh38, 1-based): chr10:98,431,195, C>A on the plus strand (G>T on the coding strand, the complement: HPS1 is on the minus strand). VCF-style: chr10-98431195-C-A. GRCh37 (hg19) VCF-style: chr10-100190952-C-A.
Other names: c.-270G>T (NM_001311345.2, NM_001322489.2); c.604G>T, p.Gly202Ter (NM_001322476.2, NM_001322477.2, NM_001322478.2 and 3 more transcripts); c.235G>T, p.Gly79Ter (NM_001322483.2, NM_001322484.2, NM_001322485.2); c.-369G>T (NM_001322487.2); c.408-525G>T (NM_001322480.2, NM_001322482.2, NM_001322481.2); c.551-525G>T (NM_001322492.2, NM_001322490.2); short protein forms G202*, G79*.
Identifiers: ClinVar variation 5015530 (VCV005015530.1).

ClinVar aggregate classification (germline): Pathogenic (1 of 4 stars; one submission).

Conditions:
Hermansky-Pudlak syndrome 1 (HPS1). Also called: DELTA STORAGE POOL DISEASE. Identifiers: Orphanet 231500, Orphanet 79430, MedGen C2931875, MONDO:0008748, OMIM 203300.

Submission:

Myriad Genetics, Inc.
Classification: Pathogenic for Hermansky-Pudlak syndrome 1. Last evaluated: 2026-02-10. Review status: criteria provided, single submitter. Criteria: Myriad Autosomal Dominant, Autosomal Recessive and X-Linked Classification Criteria (2023). Collection method: clinical testing. Allele origin: unknown.
Comment: NM_000195.3(HPS1):c.604G>T(G202*) is expected to be pathogenic in the context of Hermansky-Pudlak syndrome, HPS1-related. This variant is predicted to lead to an abnormal or absent protein product due to the creation of a premature termination codon in HPS1, a gene where loss-of-function variants are known to be pathogenic. Please note: this variant was assessed in the context of healthy population screening.